The following is an entry in ClinVar:

NM_004655.4(AXIN2):c.1219T>G (p.Ser407Ala)

Gene: AXIN2 (axin 2; minus strand). Cytogenetic location: 17q24.1.
Variant type: single nucleotide variant.
Coding change: c.1219T>G on transcript NM_004655.4 (MANE Select); coding-DNA position 1219, T replaced by G.
Protein change: p.Ser407Ala; replaces serine 407 with alanine.
Molecular consequence: missense variant.
Genome position (GRCh38, 1-based): chr17:65,537,817, A>C on the plus strand (T>G on the coding strand, the complement: AXIN2 is on the minus strand). VCF-style: chr17-65537817-A-C. GRCh37 (hg19) VCF-style: chr17-63533935-A-C.
Other names: c.1219T>G, p.Ser407Ala (NM_001363813.1); c.1219T>G (NM_004655.3); short protein forms S407A.
Identifiers: ClinVar variation 1511195 (VCV001511195.7), dbSNP rs1205776646, ClinGen allele CA400677937.

ClinVar aggregate classification (germline): Uncertain significance. Review status: criteria provided, multiple submitters, no conflicts (2 of 4 stars). 2 submissions from 2 submitters: Uncertain significance (2). Last evaluated 2024-12-30.

Conditions:
Hereditary cancer-predisposing syndrome. Also called: Hereditary neoplastic syndrome; Neoplastic Syndromes, Hereditary; Tumor predisposition; Hereditary Cancer Syndrome. Identifiers: Orphanet 140162, MedGen C0027672, MeSH D009386, MONDO:0015356.
Oligodontia-cancer predisposition syndrome. Also called: TOOTH AGENESIS-COLORECTAL CANCER SYNDROME. Identifiers: Orphanet 300576, MedGen C1837750, MONDO:0012075, OMIM 608615. Disease mechanism: loss of function.

Allele frequency attached by ClinVar (database versions not stated): gnomAD exomes 0.00001.
gnomAD v4.1: 1 of 1,572,162 alleles (0.000064%); highest among the groups gnomAD compares: East Asian, 0.0023%; no homozygotes.

Submissions (2):

Labcorp Genetics (formerly Invitae), Labcorp
Classification: Uncertain significance for Oligodontia-cancer predisposition syndrome. Last evaluated: 2024-12-30. Review status: criteria provided, single submitter. Criteria: Invitae Variant Classification Sherloc (09022015). Collection method: clinical testing. Allele origin: germline.
Comment: This sequence change replaces serine, which is neutral and polar, with alanine, which is neutral and non-polar, at codon 407 of the AXIN2 protein (p.Ser407Ala). This variant is present in population databases (no rsID available, gnomAD 0.007%). This variant has not been reported in the literature in individuals affected with AXIN2-related conditions. ClinVar contains an entry for this variant (Variation ID: 1511195). An algorithm developed to predict the effect of missense changes on protein structure and function (PolyPhen-2) suggests that this variant is likely to be tolerated. In summary, the available evidence is currently insufficient to determine the role of this variant in disease. Therefore, it has been classified as a Variant of Uncertain Significance.

Ambry Genetics
Classification: Uncertain significance for Hereditary cancer-predisposing syndrome. Last evaluated: 2024-12-14. Review status: criteria provided, single submitter. Criteria: Ambry Variant Classification Scheme 2023. Collection method: clinical testing. Allele origin: germline.
Comment: The p.S407A variant (also known as c.1219T>G), located in coding exon 5 of the AXIN2 gene, results from a T to G substitution at nucleotide position 1219. The serine at codon 407 is replaced by alanine, an amino acid with similar properties. This amino acid position is conserved. In addition, this alteration is predicted to be tolerated by in silico analysis. Based on the available evidence, the clinical significance of this variant remains unclear.